The following is an entry in ClinVar:

NM_001374828.1(ARID1B):c.5933G>C (p.Arg1978Thr)

Gene: ARID1B (AT-rich interaction domain 1B; plus strand). Cytogenetic location: 6q25.3.
Variant type: single nucleotide variant.
Coding change: c.5933G>C on transcript NM_001374828.1 (MANE Select); coding-DNA position 5933, G replaced by C.
Protein change: p.Arg1978Thr; replaces arginine 1978 with threonine.
Molecular consequence: missense variant.
Genome position (GRCh38, 1-based): chr6:157,206,705, G>C. VCF-style: chr6-157206705-G-C. GRCh37 (hg19) VCF-style: chr6-157527839-G-C.
Other names: c.5564G>C (NM_020732.3); c.6062G>C, p.Arg2021Thr (NM_001438482.1); c.5975G>C, p.Arg1992Thr (NM_001438483.1); c.5843G>C, p.Arg1948Thr (NM_001438485.1); c.5816G>C, p.Arg1939Thr (NM_001438486.1); c.5753G>C, p.Arg1918Thr (NM_001438487.1); c.3275G>C, p.Arg1092Thr (NM_001438488.1); c.5774G>C, p.Arg1925Thr (NM_017519.3); and 2 more; short protein forms R1092T, R1145T, R1918T, R1925T, R1938T, R1939T, R1948T, R1978T.
Identifiers: ClinVar variation 4863383 (VCV004863383.1).
Genomic context (GRCh38, chr6:157,206,705, plus strand): 5'-AGAGCAAGATGGAAATTCCTCCTCGCAGGCGCCCACCTCCCCCCTTAAGCTCCGCAGGTA[G>C]AAAGAAAGAGCAAGAAGGCAAAGGCGACTCTGAAGAGCAGCAAGAGAAAAGCATCATAGC-3'
Protein context (NP_001361757.1, residues 1968-1988): RPPPPLSSAG[Arg1978Thr]KKEQEGKGDS

ClinVar aggregate classification (germline): Uncertain significance (1 of 4 stars; one submission).

Conditions:
Inborn genetic diseases. Identifiers: MedGen C0950123, MeSH D030342.

gnomAD v4.1: 2 of 1,612,656 alleles (0.00012%); highest among the groups gnomAD compares: African/African-American, 0.0013%; no homozygotes.

Submission:

Ambry Genetics
Classification: Uncertain significance for Inborn genetic diseases. Last evaluated: 2026-04-11. Review status: criteria provided, single submitter. Criteria: Ambry Variant Classification Scheme 2023. Collection method: clinical testing. Allele origin: germline.
Comment: The c.5564G>C (p.R1855T) alteration is located in exon 20 (coding exon 20) of the ARID1B gene. This alteration results from a G to C substitution at nucleotide position 5564, causing the arginine (R) at amino acid position 1855 to be replaced by a threonine (T). Based on data from gnomAD, the C allele has an overall frequency of <0.001% (1/249048) total alleles studied. The highest observed frequency was 0.006% (1/16120) of African alleles. Based on insufficient or conflicting evidence, the clinical significance of this alteration remains unclear.